The following is an entry in ClinVar:

NM_000548.5(TSC2):c.4255C>G (p.Gln1419Glu)

Gene: TSC2 (TSC complex subunit 2; plus strand). Cytogenetic location: 16p13.3.
Variant type: single nucleotide variant.
Coding change: c.4255C>G on transcript NM_000548.5 (MANE Select); coding-DNA position 4255, C replaced by G.
Protein change: p.Gln1419Glu; replaces glutamine 1419 with glutamic acid.
Molecular consequence: missense variant.
Genome position (GRCh38, 1-based): chr16:2,084,477, C>G. VCF-style: chr16-2084477-C-G. GRCh37 (hg19) VCF-style: chr16-2134478-C-G.
Other names: c.4054C>G, p.Gln1352Glu (NM_001077183.3); c.4186C>G, p.Gln1396Glu (NM_001114382.3); c.3946C>G, p.Gln1316Glu (NM_001318827.2); c.3910C>G, p.Gln1304Glu (NM_001318829.2); c.3523C>G, p.Gln1175Glu (NM_001318831.2); c.4087C>G, p.Gln1363Glu (NM_001318832.2); c.4057C>G, p.Gln1353Glu (NM_001363528.2); c.4123C>G, p.Gln1375Glu (NM_001370404.1); and 1 more; short protein forms Q1175E, Q1304E, Q1316E, Q1352E, Q1353E, Q1363E, Q1375E, Q1376E.
Identifiers: ClinVar variation 1692502 (VCV001692502.7), dbSNP rs45437193, ClinGen allele CA394300471.
Genomic context (GRCh38, chr16:2,084,477, plus strand): 5'-GGGGACCCTGGGGACAAGGCCGACGTGGGCCGGCTGAGCCCTGAGGTTAAGGCCCGGTCA[C>G]AGTCAGGGACCCTGGACGGGGAAAGTGCTGCCTGGTCGGCCTCGGGCGAAGACAGTCGGG-3'
Protein context (NP_000539.2, residues 1409-1429): RLSPEVKARS[Gln1419Glu]SGTLDGESAA

ClinVar aggregate classification (germline): Uncertain significance. Review status: criteria provided, multiple submitters, no conflicts (2 of 4 stars). 2 submissions from 2 submitters: Uncertain significance (2). Last evaluated 2025-09-08.

Conditions:
Hereditary cancer-predisposing syndrome. Also called: Neoplastic Syndromes, Hereditary; Hereditary Cancer Syndrome; Tumor predisposition; Hereditary neoplastic syndrome. Identifiers: Orphanet 140162, MedGen C0027672, MeSH D009386, MONDO:0015356.
Tuberous sclerosis 2 (TSC2). Identifiers: Orphanet 805, MedGen C1860707, MONDO:0013199, OMIM 613254.

Allele frequency attached by ClinVar (database versions not stated): gnomAD exomes below 0.00001.

Submissions (2):

Labcorp Genetics (formerly Invitae), Labcorp
Classification: Uncertain significance for Tuberous sclerosis 2. Last evaluated: 2025-09-08. Review status: criteria provided, single submitter. Criteria: Invitae Variant Classification Sherloc (09022015). Collection method: clinical testing. Allele origin: germline.
Comment: This sequence change replaces glutamine, which is neutral and polar, with glutamic acid, which is acidic and polar, at codon 1419 of the TSC2 protein (p.Gln1419Glu). This variant is not present in population databases (gnomAD no frequency). This variant has not been reported in the literature in individuals affected with TSC2-related conditions. ClinVar contains an entry for this variant (Variation ID: 1692502). Invitae Evidence Modeling of protein sequence and biophysical properties (such as structural, functional, and spatial information, amino acid conservation, physicochemical variation, residue mobility, and thermodynamic stability) indicates that this missense variant is not expected to disrupt TSC2 protein function with a negative predictive value of 95%. RNA analysis performed to evaluate the impact of this missense change on mRNA splicing indicates it does not significantly alter splicing (internal data). In summary, the available evidence is currently insufficient to determine the role of this variant in disease. Therefore, it has been classified as a Variant of Uncertain Significance.

Sema4
Classification: Uncertain significance for Hereditary cancer-predisposing syndrome. Last evaluated: 2022-02-07. Review status: criteria provided, single submitter. Criteria: Sema4 Curation Guidelines. Collection method: curation. Allele origin: germline.
Comment: The TSC2 c.4255C>G (p.Q1419E) variant has not been reported in the literature to our knowledge. This variant is not observed in the large and broad cohorts of the population database Genome Aggregation Database (PMID: 32461654). The variant has not been reported in ClinVar. Functional studies have not been performed, and in silico predictions of the variant's effect on protein function are inconclusive. The evidence is insufficient to meet ACMG/AMP criteria for classifying the variant as benign or pathogenic. Thus, the clinical significance of this variant is currently uncertain.